The following is an entry in ClinVar:

ClinVar aggregate classification (germline): Likely benign. Review status: criteria provided, multiple submitters, no conflicts (2 of 4 stars). 2 submissions from 2 submitters: Likely benign (2). Last evaluated 2025-10-01.

gnomAD v4.1: 14 of 1,600,414 alleles (0.00087%); highest among the groups gnomAD compares: Middle Eastern, 0.017%; no homozygotes.

Submissions (2):

CeGaT Center for Human Genetics Tuebingen
Classification: Likely benign. Last evaluated: 2025-10-01. Review status: criteria provided, single submitter. Criteria: CeGaT Center For Human Genetics Tuebingen Variant Classification Criteria Version 2. Collection method: clinical testing. Allele origin: germline. Affected: yes. Observed: 1 variant allele.
Comment: ARID1B: BP4, BP7

Labcorp Genetics (formerly Invitae), Labcorp
Classification: Likely benign. Last evaluated: 2024-08-11. Review status: criteria provided, single submitter. Criteria: Invitae Variant Classification Sherloc (09022015). Collection method: clinical testing. Allele origin: germline.

NM_001374828.1(ARID1B):c.6942C>T (p.Ser2314=)

Gene: ARID1B (AT-rich interaction domain 1B; plus strand). Cytogenetic location: 6q25.3.
Variant type: single nucleotide variant.
Coding change: c.6942C>T on transcript NM_001374828.1 (MANE Select); coding-DNA position 6942, C replaced by T.
Protein change: p.Ser2314=; no amino-acid change (serine 2314 retained).
Molecular consequence: synonymous variant.
Genome position (GRCh38, 1-based): chr6:157,207,714, C>T. VCF-style: chr6-157207714-C-T. GRCh37 (hg19) VCF-style: chr6-157528848-C-T.
Other names: c.4443C>T, p.Ser1481= (NM_001363725.2); c.6822C>T, p.Ser2274= (NM_001371656.1, NM_001374820.1); c.6783C>T, p.Ser2261= (NM_017519.3).
Identifiers: ClinVar variation 3676966 (VCV003676966.8).